The following is an entry in ClinVar:

NM_000554.6(CRX):c.124G>A (p.Glu42Lys)

Gene: CRX (cone-rod homeobox; plus strand). Cytogenetic location: 19q13.33.
Variant type: single nucleotide variant.
Coding change: c.124G>A on transcript NM_000554.6 (MANE Select); coding-DNA position 124, G replaced by A.
Protein change: p.Glu42Lys; replaces glutamic acid 42 with lysine.
Molecular consequence: missense variant.
Genome position (GRCh38, 1-based): chr19:47,836,266, G>A. VCF-style: chr19-47836266-G-A. GRCh37 (hg19) VCF-style: chr19-48339523-G-A.
Other names: short protein forms E42K.
Identifiers: ClinVar variation 216914 (VCV000216914.11), dbSNP rs863224863, ClinGen allele CA278974.

ClinVar aggregate classification (germline): Conflicting classifications of pathogenicity. Review status: criteria provided, conflicting classifications (1 of 4 stars). 4 submissions from 4 submitters: Pathogenic (2); Likely pathogenic (1); Uncertain significance (1). Last evaluated 2025-02-23.

Conditions:
CRX-related disorders.
Leber congenital amaurosis 7 (LCA7). Identifiers: Orphanet 65, MedGen C3151192, MONDO:0013449, OMIM 613829.
Cone-rod dystrophy 2 (CORD2). Also called: CONE-ROD RETINAL DYSTROPHY; Cone-rod retinal dystrophy 2. Identifiers: Orphanet 1872, MedGen C3489532, MONDO:0007362, OMIM 120970.

Submissions (4):

Labcorp Genetics (formerly Invitae), Labcorp
Classification: Pathogenic for Cone-rod dystrophy 2; Leber congenital amaurosis 7. Last evaluated: 2025-02-23. Review status: criteria provided, single submitter. Criteria: Invitae Variant Classification Sherloc (09022015). Collection method: clinical testing. Allele origin: germline.
Comment: This sequence change replaces glutamic acid, which is acidic and polar, with lysine, which is basic and polar, at codon 42 of the CRX protein (p.Glu42Lys). This variant is not present in population databases (gnomAD no frequency). This missense change has been observed in individual(s) with autosomal dominant Leber congenital amaurosis (PMID: 21602930, 25326637, 31630094). In at least one individual the variant was observed to be de novo. ClinVar contains an entry for this variant (Variation ID: 216914). Invitae Evidence Modeling of protein sequence and biophysical properties (such as structural, functional, and spatial information, amino acid conservation, physicochemical variation, residue mobility, and thermodynamic stability) has been performed for this missense variant. However, the output from this modeling did not meet the statistical confidence thresholds required to predict the impact of this variant on CRX protein function. For these reasons, this variant has been classified as Pathogenic.

Blueprint Genetics
Classification: Pathogenic for CRX-related disorders. Last evaluated: 2024-02-29. Review status: criteria provided, single submitter. Criteria: ACMG Guidelines, 2015. Collection method: clinical testing. Allele origin: germline. Affected: yes. Observed: 2 variant alleles.

UCLA Clinical Genomics Center, UCLA
Classification: Likely pathogenic for Leber congenital amaurosis 7. Last evaluated: 2013-05-21. Review status: criteria provided, single submitter. Criteria: Lee et al. (JAMA. 2014). Collection method: clinical testing. Allele origin: de novo. Inheritance: Autosomal dominant inheritance. Affected: yes. Study: CES.

Genomic Medicine Center of Excellence, King Faisal Specialist Hospital and Research Centre
Classification: Uncertain significance for Leber congenital amaurosis 7. Review status: criteria provided, single submitter. Criteria: ACMG Guidelines, 2015. Collection method: research. Allele origin: germline.

Literature cited by the submitters: PubMed 21602930 (cited by Labcorp Genetics (formerly Invitae), Labcorp); PubMed 25326637 (cited by Labcorp Genetics (formerly Invitae), Labcorp); PubMed 31630094 (cited by Labcorp Genetics (formerly Invitae), Labcorp).